The following is an entry in ClinVar:

NM_004174.4(SLC9A3):c.1356+9C>T

Gene: SLC9A3 (solute carrier family 9 member A3). Cytogenetic location: 5p15.33.
Variant type: single nucleotide variant.
Coding change: c.1356+9C>T on transcript NM_004174.4 (MANE Select); 9 bases into the intron after coding-DNA position 1356, C replaced by T.
Molecular consequence: intron variant.
Genome position (GRCh38, 1-based): chr5:482,539, G>A on the plus strand (C>T on the coding strand, the complement: SLC9A3 is on the minus strand). VCF-style: chr5-482539-G-A. GRCh37 (hg19) VCF-style: chr5-482654-G-A.
Other names: c.1356+9C>T (NM_001284351.3).
Identifiers: ClinVar variation 3040011 (VCV003040011.3), dbSNP rs376858466, ClinGen allele CA3175998.

ClinVar aggregate classification (germline): Likely benign. Review status: criteria provided, single submitter (1 of 4 stars). 2 submissions from 2 submitters: Likely benign (1). 1 of the submissions does not count toward it. Last evaluated 2024-05-30.

Conditions:
SLC9A3-related disorder. Also called: SLC9A3-related condition.

Allele frequency attached by ClinVar (database versions not stated): ExAC 0.00013; gnomAD 0.00019; TOPMed 0.00021; ESP Exome Variant Server 0.00031.
gnomAD v4.1: 522 of 1,604,700 alleles (0.033%); highest among the groups gnomAD compares: Non-Finnish European, 0.043%; no homozygotes.

Submissions (2):

Blueprint Genetics
Classification: Likely benign. Last evaluated: 2024-05-30. Review status: criteria provided, single submitter. Criteria: ACMG Guidelines, 2015. Collection method: clinical testing. Allele origin: germline.

PreventionGenetics, part of Exact Sciences
Classification: Likely benign for SLC9A3-related condition. Last evaluated: 2019-09-13. Review status: no assertion criteria provided. Collection method: clinical testing. Allele origin: germline. Not counted in ClinVar's aggregate classification.
Comment: This variant is classified as likely benign based on ACMG/AMP sequence variant interpretation guidelines (Richards et al. 2015 PMID: 25741868, with internal and published modifications).